The following is an entry in ClinVar:

NM_001999.4(FBN2):c.6433A>G (p.Lys2145Glu)

Gene: FBN2 (fibrillin 2; minus strand). Cytogenetic location: 5q23.3.
Variant type: single nucleotide variant.
Coding change: c.6433A>G on transcript NM_001999.4 (MANE Select); coding-DNA position 6433, A replaced by G.
Protein change: p.Lys2145Glu; replaces lysine 2145 with glutamic acid.
Molecular consequence: missense variant.
Genome position (GRCh38, 1-based): chr5:128,290,744, T>C on the plus strand (A>G on the coding strand, the complement: FBN2 is on the minus strand). VCF-style: chr5-128290744-T-C. GRCh37 (hg19) VCF-style: chr5-127626436-T-C.
Other names: short protein forms K2145E.
Identifiers: ClinVar variation 1035926 (VCV001035926.12), dbSNP rs766271753, ClinGen allele CA3394424.

ClinVar aggregate classification (germline): Conflicting classifications of pathogenicity. Review status: criteria provided, conflicting classifications (1 of 4 stars). 4 submissions from 4 submitters: Uncertain significance (3); Likely benign (1). Last evaluated 2026-06-06.

Conditions:
Familial thoracic aortic aneurysm and aortic dissection (TAAD). Also called: Thoracic aortic aneurysms and dissections. Identifiers: Orphanet 91387, MedGen C4707243, MONDO:0019625.
Congenital contractural arachnodactyly (CCA). Also called: BEALS SYNDROME; Arthrogryposis, distal, type 9; Beals-Hecht syndrome. Identifiers: Orphanet 115, MedGen C0220668, MONDO:0007363, OMIM 121050.

Allele frequency attached by ClinVar (database versions not stated): ExAC 0.00002; TOPMed 0.00002; gnomAD exomes 0.00006.
gnomAD v4.1: 18 of 1,614,184 alleles (0.0011%); highest among the groups gnomAD compares: Admixed American, 0.025%; no homozygotes.

Submissions (4):

Ambry Genetics
Classification: Uncertain significance for Familial thoracic aortic aneurysm and aortic dissection. Last evaluated: 2026-06-06. Review status: criteria provided, single submitter. Criteria: Ambry Variant Classification Scheme 2023. Collection method: clinical testing. Allele origin: germline.
Comment: The p.K2145E variant (also known as c.6433A>G), located in coding exon 50 of the FBN2 gene, results from an A to G substitution at nucleotide position 6433. The lysine at codon 2145 is replaced by glutamic acid, an amino acid with similar properties. This amino acid position is conserved. In addition, the in silico prediction for this alteration is inconclusive. Based on the available evidence, the clinical significance of this variant remains unclear.

Labcorp Genetics (formerly Invitae), Labcorp
Classification: Likely benign for Congenital contractural arachnodactyly. Last evaluated: 2025-03-18. Review status: criteria provided, single submitter. Criteria: Invitae Variant Classification Sherloc (09022015). Collection method: clinical testing. Allele origin: germline.

ARUP Laboratories, Molecular Genetics and Genomics, ARUP Laboratories
Classification: Uncertain significance. Last evaluated: 2024-11-05. Review status: criteria provided, single submitter. Criteria: ARUP Molecular Germline Variant Investigation Process 2024. Collection method: clinical testing. Allele origin: germline.
Comment: The FBN2 c.6433A>G; p.Lys2145Glu variant (rs766271753), to our knowledge, is not reported in the medical literature but is reported in ClinVar (Variation ID: 1035926). This variant is found in the Admixed American population with an allele frequency of 0.038% (13/ 34590 alleles) in the Genome Aggregation Database (v2.1.1). Computational analyses are uncertain whether this variant is neutral or deleterious (REVEL: 0.516). Due to limited information, the clinical significance of this variant is uncertain at this time.

GeneDx
Classification: Uncertain significance. Last evaluated: 2021-11-01. Review status: criteria provided, single submitter. Criteria: GeneDx Variant Classification Process June 2021. Collection method: clinical testing. Allele origin: germline. Affected: yes.
Comment: Has not been previously published as pathogenic or benign to our knowledge; In silico analysis supports that this missense variant does not alter protein structure/function; Does not affect a cysteine residue within a calcium-binding EGF-like domain of the FBN2 gene; cysteine substitutions in the calcium-binding EGF-like domains represent the majority of pathogenic missense changes associated with FBN2-related disorders (Collod-Beroud et al., 2003; Frederic et al., 2009).; Reported in ClinVar as a variant of uncertain significance (ClinVar Variant ID# 1035926; Landrum et al., 2016); This variant is associated with the following publications: (PMID: 12938084, 18767143)